The following is an entry in ClinVar:

NM_014908.4(DOLK):c.1282C>G (p.Gln428Glu)

Gene: DOLK (dolichol kinase; minus strand). Cytogenetic location: 9q34.11.
Variant type: single nucleotide variant.
Coding change: c.1282C>G on transcript NM_014908.4 (MANE Select); coding-DNA position 1282, C replaced by G.
Protein change: p.Gln428Glu; replaces glutamine 428 with glutamic acid.
Molecular consequence: missense variant.
Genome position (GRCh38, 1-based): chr9:128,946,022, G>C on the plus strand (C>G on the coding strand, the complement: DOLK is on the minus strand). VCF-style: chr9-128946022-G-C. GRCh37 (hg19) VCF-style: chr9-131708301-G-C.
Other names: short protein forms Q428E.
Identifiers: ClinVar variation 1768229 (VCV001768229.2), dbSNP rs2492003113, ClinGen allele CA375118257.
Genomic context (GRCh38, chr9:128,946,022, plus strand): 5'-CCACAGCCAGGACACCGGCATAGGGGACGAGGGCCCTGGCTCCTCCCAGGCTACCCTTCT[G>C]TGTGCAGGGTCTGGGGATCAGCCAGATGGGAAGAGACATGCCCAGGAGCAGGTAGATGTG-3'
Protein context (NP_055723.1, residues 418-438): PIWLIPRPCT[Gln428Glu]KGSLGGARAL

ClinVar aggregate classification (germline): Uncertain significance (1 of 4 stars; one submission).

Conditions:
Cardiovascular phenotype. Identifiers: MedGen CN230736.

Submission:

Ambry Genetics
Classification: Uncertain significance for Cardiovascular phenotype. Last evaluated: 2022-10-11. Review status: criteria provided, single submitter. Criteria: Ambry Variant Classification Scheme 2023. Collection method: clinical testing. Allele origin: germline.
Comment: The p.Q428E variant (also known as c.1282C>G), located in coding exon 1 of the DOLK gene, results from a C to G substitution at nucleotide position 1282. The glutamine at codon 428 is replaced by glutamic acid, an amino acid with highly similar properties. This amino acid position is conserved. In addition, this alteration is predicted to be tolerated by in silico analysis. Since supporting evidence is limited at this time, the clinical significance of this alteration remains unclear.